The following is an entry in ClinVar:

NM_032898.5(CEP19):c.362A>G (p.Asp121Gly)

Gene: CEP19 (centrosomal protein 19; minus strand). Cytogenetic location: 3q29.
Variant type: single nucleotide variant.
Coding change: c.362A>G on transcript NM_032898.5 (MANE Select); coding-DNA position 362, A replaced by G.
Protein change: p.Asp121Gly; replaces aspartic acid 121 with glycine.
Molecular consequence: missense variant.
Genome position (GRCh38, 1-based): chr3:196,707,681, T>C on the plus strand (A>G on the coding strand, the complement: CEP19 is on the minus strand). VCF-style: chr3-196707681-T-C. GRCh37 (hg19) VCF-style: chr3-196434552-T-C.
Other names: c.257A>G, p.Asp86Gly (NM_001379468.1); c.362A>G, p.Asp121Gly (NM_001379469.1, NM_001379470.1); short protein forms D121G, D86G.
Identifiers: ClinVar variation 1439792 (VCV001439792.5), dbSNP rs752707848, ClinGen allele CA2782092.

ClinVar aggregate classification (germline): Uncertain significance (1 of 4 stars; one submission).

Allele frequency attached by ClinVar (database versions not stated): gnomAD exomes below 0.00001 and 0.00001; TOPMed below 0.00001; ExAC 0.00001.

Submission:

Labcorp Genetics (formerly Invitae), Labcorp
Classification: Uncertain significance. Last evaluated: 2022-11-29. Review status: criteria provided, single submitter. Criteria: Invitae Variant Classification Sherloc (09022015). Collection method: clinical testing. Allele origin: germline.
Comment: This variant has not been reported in the literature in individuals affected with CEP19-related conditions. This variant is present in population databases (rs752707848, gnomAD 0.01%). This sequence change replaces aspartic acid, which is acidic and polar, with glycine, which is neutral and non-polar, at codon 125 of the CEP19 protein (p.Asp125Gly). ClinVar contains an entry for this variant (Variation ID: 1439792). In summary, the available evidence is currently insufficient to determine the role of this variant in disease. Therefore, it has been classified as a Variant of Uncertain Significance. Algorithms developed to predict the effect of missense changes on protein structure and function (SIFT, PolyPhen-2, Align-GVGD) all suggest that this variant is likely to be disruptive.